The following is an entry in ClinVar:

ClinVar aggregate classification (germline): Uncertain significance (1 of 4 stars; one submission).

Conditions:
Joubert syndrome. Also called: CEREBELLOPARENCHYMAL DISORDER IV; JOUBERT-BOLTSHAUSER SYNDROME; Familial aplasia of the vermis. Identifiers: Orphanet 475, MedGen C5979921, MONDO:0018772.
Orofaciodigital syndrome I (OFD1). Also called: OFDS I; Papillon-Leage and Psaume Syndrome; Oral-Facial-Digital Syndrome Type I. Identifiers: Orphanet 2750, MedGen C1510460, MONDO:0010702, OMIM 311200.

Submission:

Labcorp Genetics (formerly Invitae), Labcorp
Classification: Uncertain significance for Orofaciodigital syndrome I; Joubert syndrome. Last evaluated: 2022-10-25. Review status: criteria provided, single submitter. Criteria: Invitae Variant Classification Sherloc (09022015). Collection method: clinical testing. Allele origin: germline.
Comment: In summary, the available evidence is currently insufficient to determine the role of this variant in disease. Therefore, it has been classified as a Variant of Uncertain Significance. Advanced modeling of protein sequence and biophysical properties (such as structural, functional, and spatial information, amino acid conservation, physicochemical variation, residue mobility, and thermodynamic stability) performed at Invitae indicates that this missense variant is not expected to disrupt OFD1 protein function. This variant has not been reported in the literature in individuals affected with OFD1-related conditions. This variant is not present in population databases (gnomAD no frequency). This sequence change replaces aspartic acid, which is acidic and polar, with asparagine, which is neutral and polar, at codon 970 of the OFD1 protein (p.Asp970Asn).

NM_003611.3(OFD1):c.2908G>A (p.Asp970Asn)

Gene: OFD1 (OFD1 centriole and centriolar satellite protein; plus strand). Cytogenetic location: Xp22.2.
Variant type: single nucleotide variant.
Coding change: c.2908G>A on transcript NM_003611.3 (MANE Select); coding-DNA position 2908, G replaced by A.
Protein change: p.Asp970Asn; replaces aspartic acid 970 with asparagine.
Molecular consequence: missense variant.
Genome position (GRCh38, 1-based): chrX:13,768,204, G>A. VCF-style: chrX-13768204-G-A. GRCh37 (hg19) VCF-style: chrX-13786323-G-A.
Other names: c.2788G>A, p.Asp930Asn (NM_001330209.2); c.2488G>A, p.Asp830Asn (NM_001330210.2); short protein forms D930N, D830N, D970N.
Identifiers: ClinVar variation 2940881 (VCV002940881.3), dbSNP rs2518998995, ClinGen allele CA412313914.
Genomic context (GRCh38, chrX:13,768,204, plus strand): 5'-AAATCTGCTCACAGTGAAAATCCTTTAGAGAAATACATGAAAATCATCCAGCAGGAGCAA[G>A]ACCAGGAGTCGGCAGATAAGGTGCCAGTGCCATGGGCAGGGCAATCTGTGGGTGGGGGAC-3'
Protein context (NP_003602.1, residues 960-980): KYMKIIQQEQ[Asp970Asn]QESADKSSKK